The following is an entry in ClinVar:

ClinVar aggregate classification (germline): Conflicting classifications of pathogenicity. Review status: criteria provided, conflicting classifications (1 of 4 stars). 10 submissions from 10 submitters: Uncertain significance (1); Likely benign (7). 2 of the submissions do not count toward it. Last evaluated 2026-10-01.

Conditions:
Episodic pain syndrome, familial, 2 (FEPS2). Identifiers: Orphanet 306577, MedGen C3809893, MONDO:0014246, OMIM 615551.
SCN10A-related disorder. Also called: SCN10A-related condition.
Cardiovascular phenotype. Identifiers: MedGen CN230736.
Brugada syndrome. Also called: Sudden unexplained nocturnal death syndrome; Sudden Unexplained Death Syndrome; Sudden Unexplained Nocturnal Death Syndrome (SUNDS); Sudden unexpected nocturnal death syndrome. Identifiers: Orphanet 130, MedGen C1142166, MONDO:0015263.

Allele frequency attached by ClinVar (database versions not stated): gnomAD 0.00041 and 0.00044; ExAC 0.00049; gnomAD exomes 0.00049; TOPMed 0.00050; ESP Exome Variant Server 0.00108.
gnomAD v4.1: 1,294 of 1,614,072 alleles (0.08%); highest among the groups gnomAD compares: Non-Finnish European, 0.11%; 1 homozygote.

Submissions (10):

CeGaT Center for Human Genetics Tuebingen
Classification: Likely benign. Last evaluated: 2026-10-01. Review status: criteria provided, single submitter. Criteria: CeGaT Center For Human Genetics Tuebingen Variant Classification Criteria Version 2. Collection method: clinical testing. Allele origin: germline. Affected: yes. Observed: 5 variant alleles.
Comment: SCN10A: BP4, BS1

Labcorp Genetics (formerly Invitae), Labcorp
Classification: Likely benign for Brugada syndrome. Last evaluated: 2026-01-13. Review status: criteria provided, single submitter. Criteria: Invitae Variant Classification Sherloc (09022015). Collection method: clinical testing. Allele origin: germline.

Women's Health and Genetics/Laboratory Corporation of America, LabCorp
Classification: Likely benign. Last evaluated: 2025-09-09. Review status: criteria provided, single submitter. Criteria: LabCorp Variant Classification Summary - May 2015. Collection method: clinical testing. Allele origin: germline.
Comment: Variant summary: SCN10A c.2842G>C (p.Val948Leu) results in a conservative amino acid change in the encoded protein sequence. Algorithms developed to predict the effect of missense changes on protein structure and function all suggest that this variant is likely to be tolerated. The variant allele was found at a frequency of 0.0008 in 1614072 control chromosomes, predominantly at a frequency of 0.001 within the Non-Finnish European subpopulation in the gnomAD database, including 1 homozygote. The observed variant frequency within Non-Finnish European control individuals in the gnomAD database exceeds the estimated maximal expected allele frequency for disease-causing variants in SCN10A. c.2842G>C has been observed in individuals affected with infantile spasms or Brugada syndrome, without strong evidence for causality (e.g. DiResta_2015, Kambouris_2016). These report(s) do not provide unequivocal conclusions about association of the variant with Episodic pain syndrome, familial, 2. To our knowledge, no experimental evidence demonstrating an impact on protein function has been reported. The following publications have been ascertained in the context of this evaluation (PMID: 26220970, 28078312). ClinVar contains an entry for this variant (Variation ID: 407748). Based on the evidence outlined above, the variant was classified as likely benign.

PreventionGenetics, part of Exact Sciences
Classification: Likely benign for SCN10A-related condition. Last evaluated: 2025-02-25. Review status: criteria provided, single submitter. Criteria: ACMG Guidelines, 2015. Collection method: clinical testing. Allele origin: germline.
Comment: This variant is classified as likely benign based on ACMG/AMP sequence variant interpretation guidelines (Richards et al. 2015 PMID: 25741868, with internal and published modifications).

Blueprint Genetics
Classification: Likely benign. Last evaluated: 2024-07-08. Review status: criteria provided, single submitter. Criteria: ACMG Guidelines, 2015. Collection method: clinical testing. Allele origin: germline.

Ambry Genetics
Classification: Likely benign for Cardiovascular phenotype. Last evaluated: 2019-08-20. Review status: criteria provided, single submitter. Criteria: Ambry Variant Classification Scheme 2023. Collection method: clinical testing. Allele origin: germline.

GeneDx
Classification: Likely benign. Last evaluated: 2019-07-25. Review status: criteria provided, single submitter. Criteria: GeneDx Variant Classification Process June 2021. Collection method: clinical testing. Allele origin: germline. Affected: yes.
Comment: This variant is associated with the following publications: (PMID: 28078312, 26220970)

Fulgent Genetics
Classification: Uncertain significance for Episodic pain syndrome, familial, 2. Last evaluated: 2018-10-31. Review status: criteria provided, single submitter. Criteria: ACMG Guidelines, 2015. Collection method: clinical testing. Allele origin: unknown.

Clinical Genetics, Academic Medical Center
Classification: Likely benign. Review status: no assertion criteria provided. Collection method: clinical testing. Allele origin: germline. Affected: yes. Study: VKGL Data-share Consensus. Not counted in ClinVar's aggregate classification.

Joint Genome Diagnostic Labs from Nijmegen and Maastricht, Radboudumc and MUMC+
Classification: Likely benign. Review status: no assertion criteria provided. Collection method: clinical testing. Allele origin: germline. Affected: yes. Study: VKGL Data-share Consensus. Not counted in ClinVar's aggregate classification.

Literature cited by the submitters: PubMed 26220970 (cited by Women's Health and Genetics/Laboratory Corporation of America, LabCorp and Ambry Genetics); PubMed 28078312 (cited by Women's Health and Genetics/Laboratory Corporation of America, LabCorp and Ambry Genetics).

NM_006514.4(SCN10A):c.2842G>C (p.Val948Leu)

Genes: SCN10A (sodium voltage-gated channel alpha subunit 10; minus strand), LOC110121288 (VISTA enhancer hs2268; plus strand). Cytogenetic location: 3p22.2.
Variant type: single nucleotide variant.
Coding change: c.2842G>C on transcript NM_006514.4 (MANE Select); coding-DNA position 2842, G replaced by C.
Protein change: p.Val948Leu; replaces valine 948 with leucine.
Molecular consequence: missense variant.
Genome position (GRCh38, 1-based): chr3:38,726,851, C>G on the plus strand (G>C on the coding strand, the complement: SCN10A is on the minus strand). VCF-style: chr3-38726851-C-G. GRCh37 (hg19) VCF-style: chr3-38768342-C-G.
Other names: c.2842G>C, p.Val948Leu (NM_001293306.2); c.2548G>C, p.Val850Leu (NM_001293307.2); short protein forms V948L, V850L.
Identifiers: ClinVar variation 407748 (VCV000407748.57), dbSNP rs145694222, ClinGen allele CA2320420.